The following is an entry in ClinVar:

NM_006755.2(TALDO1):c.293A>T (p.Lys98Met)

Gene: TALDO1 (transaldolase 1; plus strand). Cytogenetic location: 11p15.5.
Variant type: single nucleotide variant.
Coding change: c.293A>T on transcript NM_006755.2 (MANE Select); coding-DNA position 293, A replaced by T.
Protein change: p.Lys98Met; replaces lysine 98 with methionine.
Molecular consequence: missense variant.
Genome position (GRCh38, 1-based): chr11:759,021, A>T. VCF-style: chr11-759021-A-T. GRCh37 (hg19) VCF-style: chr11-759021-A-T.
Other names: short protein forms K98M.
Identifiers: ClinVar variation 306129 (VCV000306129.7), dbSNP rs758756190, ClinGen allele CA5788078.

ClinVar aggregate classification (germline): Uncertain significance. Review status: criteria provided, multiple submitters, no conflicts (2 of 4 stars). 3 submissions from 3 submitters: Uncertain significance (3). Last evaluated 2026-01-23.

Conditions:
Deficiency of transaldolase. Also called: EYAID SYNDROME. Identifiers: Orphanet 101028, MedGen C1291329, MONDO:0011624, OMIM 606003.

Allele frequency attached by ClinVar (database versions not stated): TOPMed below 0.00001; gnomAD 0.00001; ExAC 0.00002; gnomAD exomes 0.00003 and 0.00004.

Submissions (3):

Labcorp Genetics (formerly Invitae), Labcorp
Classification: Uncertain significance. Last evaluated: 2026-01-23. Review status: criteria provided, single submitter. Criteria: Invitae Variant Classification Sherloc (09022015). Collection method: clinical testing. Allele origin: germline.
Comment: This sequence change replaces lysine, which is basic and polar, with methionine, which is neutral and non-polar, at codon 98 of the TALDO1 protein (p.Lys98Met). This variant is present in population databases (rs758756190, gnomAD 0.005%). This variant has not been reported in the literature in individuals affected with TALDO1-related conditions. ClinVar contains an entry for this variant (Variation ID: 306129). Invitae Evidence Modeling of protein sequence and biophysical properties (such as structural, functional, and spatial information, amino acid conservation, physicochemical variation, residue mobility, and thermodynamic stability) indicates that this missense variant is not expected to disrupt TALDO1 protein function with a negative predictive value of 80%. In summary, the available evidence is currently insufficient to determine the role of this variant in disease. Therefore, it has been classified as a Variant of Uncertain Significance.

Baylor Genetics
Classification: Uncertain significance for Deficiency of transaldolase. Last evaluated: 2018-02-27. Review status: criteria provided, single submitter. Criteria: ACMG Guidelines, 2015. Collection method: clinical testing. Allele origin: paternal. Affected: yes.
Comment: This variant was determined to be of uncertain significance according to ACMG Guidelines, 2015 [PMID:25741868].

Illumina Laboratory Services, Illumina
Classification: Uncertain significance for Deficiency of transaldolase. Last evaluated: 2018-01-13. Review status: criteria provided, single submitter. Criteria: ICSL Variant Classification Criteria 13 December 2019. Collection method: clinical testing. Allele origin: germline.